The following is an entry in ClinVar:

NM_000455.5(STK11):c.543C>A (p.Asn181Lys)

Gene: STK11 (serine/threonine kinase 11; plus strand). Cytogenetic location: 19p13.3.
Variant type: single nucleotide variant.
Coding change: c.543C>A on transcript NM_000455.5 (MANE Select); coding-DNA position 543, C replaced by A.
Protein change: p.Asn181Lys; replaces asparagine 181 with lysine.
Molecular consequence: missense variant.
Genome position (GRCh38, 1-based): chr19:1,220,451, C>A. VCF-style: chr19-1220451-C-A. GRCh37 (hg19) VCF-style: chr19-1220450-C-A.
Other names: short protein forms N181K.
Identifiers: ClinVar variation 3383208 (VCV003383208.2), dbSNP rs730881973.
Genomic context (GRCh38, chr19:1,220,451, plus strand): 5'-TGACGGCCTGGAGTACCTGCATAGCCAGGGCATTGTGCACAAGGACATCAAGCCGGGGAA[C>A]CTGCTGCTCACCACCGGTGGCACCCTCAAAATCTCCGACCTGGGCGTGGCCGAGGTAGGC-3'
Protein context (NP_000446.1, residues 171-191): GIVHKDIKPG[Asn181Lys]LLLTTGGTLK

ClinVar aggregate classification (germline): Likely pathogenic (1 of 4 stars; one submission).

Conditions:
Peutz-Jeghers syndrome (PJS). Also called: Peutz-Jeghers polyposis; Periorificial lentiginosis syndrome; POLYPOSIS, HAMARTOMATOUS INTESTINAL; POLYPS-AND-SPOTS SYNDROME. Identifiers: Orphanet 2869, MedGen C0031269, MeSH D010580, MONDO:0008280, OMIM 175200.

Submission:

Juno Genomics, Hangzhou Juno Genomics, Inc
Classification: Likely pathogenic for Peutz-Jeghers syndrome. Review status: criteria provided, single submitter. Criteria: ACMG Guidelines, 2015. Collection method: clinical testing. Allele origin: germline. Affected: yes.
Comment: Absent from controls (or at extremely low frequency if recessive) in Genome Aggregation Database, Exome Sequencing Project, 1000 Genomes Project, or Exome Aggregation Consortium.;Multiple lines of computational evidence support a deleterious effect on the gene or gene product (conservation, evolutionary, splicing impact, etc).;Same amino acid change as a previously established pathogenic variant regardless of nucleotide change.;Novel missense change at an amino acid residue where a different missense change determined to be pathogenic has been seen before.;Patient's phenotype or family history is highly specific for a disease with a single genetic etiology.